The following is an entry in ClinVar:

ClinVar aggregate classification (germline): Uncertain significance (1 of 4 stars; one submission).

gnomAD v4.1: 2 of 1,612,118 alleles (0.00012%); highest among the groups gnomAD compares: South Asian, 0.0022%; no homozygotes.

Submission:

Ambry Genetics
Classification: Uncertain significance. Last evaluated: 2024-04-07. Review status: criteria provided, single submitter. Criteria: Ambry Variant Classification Scheme 2023. Collection method: clinical testing. Allele origin: germline.
Comment: The p.A272D variant (also known as c.815C>A), located in coding exon 6 of the NQO1 gene, results from a C to A substitution at nucleotide position 815. The alanine at codon 272 is replaced by aspartic acid, an amino acid with dissimilar properties. This amino acid position is conserved. In addition, the in silico prediction for this alteration is inconclusive. Based on the available evidence, the clinical significance of this variant remains unclear.

NM_000903.3(NQO1):c.815C>A (p.Ala272Asp)

Gene: NQO1 (NAD(P)H quinone dehydrogenase 1; minus strand). Cytogenetic location: 16q22.1.
Variant type: single nucleotide variant.
Coding change: c.815C>A on transcript NM_000903.3 (MANE Select); coding-DNA position 815, C replaced by A.
Protein change: p.Ala272Asp; replaces alanine 272 with aspartic acid.
Molecular consequence: missense variant.
Genome position (GRCh38, 1-based): chr16:69,710,986, G>T on the plus strand (C>A on the coding strand, the complement: NQO1 is on the minus strand). VCF-style: chr16-69710986-G-T. GRCh37 (hg19) VCF-style: chr16-69744889-G-T.
Other names: c.713C>A, p.Ala238Asp (NM_001025433.2); c.701C>A, p.Ala234Asp (NM_001025434.2); c.599C>A, p.Ala200Asp (NM_001286137.2); short protein forms A238D, A200D, A234D, A272D.
Identifiers: ClinVar variation 3300896 (VCV003300896.1).